The following is an entry in ClinVar:

NM_001999.4(FBN2):c.2555A>T (p.Asp852Val)

Gene: FBN2 (fibrillin 2; minus strand). Cytogenetic location: 5q23.3.
Variant type: single nucleotide variant.
Coding change: c.2555A>T on transcript NM_001999.4 (MANE Select); coding-DNA position 2555, A replaced by T.
Protein change: p.Asp852Val; replaces aspartic acid 852 with valine.
Molecular consequence: missense variant.
Genome position (GRCh38, 1-based): chr5:128,357,395, T>A on the plus strand (A>T on the coding strand, the complement: FBN2 is on the minus strand). VCF-style: chr5-128357395-T-A. GRCh37 (hg19) VCF-style: chr5-127693087-T-A.
Other names: short protein forms D852V.
Identifiers: ClinVar variation 3700278 (VCV003700278.2).

ClinVar aggregate classification (germline): Uncertain significance (1 of 4 stars; one submission).

Conditions:
Congenital contractural arachnodactyly (CCA). Also called: Beals-Hecht syndrome; BEALS SYNDROME; Arthrogryposis, distal, type 9. Identifiers: Orphanet 115, MedGen C0220668, MONDO:0007363, OMIM 121050.

Submission:

Labcorp Genetics (formerly Invitae), Labcorp
Classification: Uncertain significance for Congenital contractural arachnodactyly. Last evaluated: 2024-07-27. Review status: criteria provided, single submitter. Criteria: Invitae Variant Classification Sherloc (09022015). Collection method: clinical testing. Allele origin: germline.
Comment: This sequence change replaces aspartic acid, which is acidic and polar, with valine, which is neutral and non-polar, at codon 852 of the FBN2 protein (p.Asp852Val). This variant is not present in population databases (gnomAD no frequency). This variant has not been reported in the literature in individuals affected with FBN2-related conditions. An algorithm developed to predict the effect of missense changes on protein structure and function (PolyPhen-2) suggests that this variant is likely to be disruptive. In summary, the available evidence is currently insufficient to determine the role of this variant in disease. Therefore, it has been classified as a Variant of Uncertain Significance.